The following is an entry in ClinVar:

NM_152296.5(ATP1A3):c.597C>A (p.His199Gln)

Gene: ATP1A3 (ATPase Na+/K+ transporting subunit alpha 3; minus strand). Cytogenetic location: 19q13.2.
Variant type: single nucleotide variant.
Coding change: c.597C>A on transcript NM_152296.5 (MANE Select); coding-DNA position 597, C replaced by A.
Protein change: p.His199Gln; replaces histidine 199 with glutamine.
Molecular consequence: missense variant.
Genome position (GRCh38, 1-based): chr19:41,985,873, G>T on the plus strand (C>A on the coding strand, the complement: ATP1A3 is on the minus strand). VCF-style: chr19-41985873-G-T. GRCh37 (hg19) VCF-style: chr19-42490025-G-T.
Other names: c.630C>A, p.His210Gln (NM_001256213.2); c.636C>A, p.His212Gln (NM_001256214.2); short protein forms H210Q, H199Q, H212Q.
Identifiers: ClinVar variation 2811172 (VCV002811172.3), dbSNP rs139145792, ClinGen allele CA406054263.

ClinVar aggregate classification (germline): Uncertain significance (1 of 4 stars; one submission).

Conditions:
Dystonia 12 (DYT12). Also called: DYT-ATP1A3; Rapid-Onset Dystonia-Parkinsonism (RDP). Identifiers: Orphanet 71517, MedGen C1868681, MONDO:0007496, OMIM 128235.

Submission:

Labcorp Genetics (formerly Invitae), Labcorp
Classification: Uncertain significance for Dystonia 12. Last evaluated: 2022-12-19. Review status: criteria provided, single submitter. Criteria: Invitae Variant Classification Sherloc (09022015). Collection method: clinical testing. Allele origin: germline.
Comment: This sequence change replaces histidine, which is basic and polar, with glutamine, which is neutral and polar, at codon 199 of the ATP1A3 protein (p.His199Gln). This variant is not present in population databases (gnomAD no frequency). This variant has not been reported in the literature in individuals affected with ATP1A3-related conditions. Algorithms developed to predict the effect of missense changes on protein structure and function (SIFT, PolyPhen-2, Align-GVGD) all suggest that this variant is likely to be tolerated. In summary, the available evidence is currently insufficient to determine the role of this variant in disease. Therefore, it has been classified as a Variant of Uncertain Significance.